The following is an entry in ClinVar:

ClinVar aggregate classification (germline): Uncertain significance (1 of 4 stars; one submission).

gnomAD v4.1: 1 of 1,612,522 alleles (0.000062%); highest among the groups gnomAD compares: Non-Finnish European, 0.000085%; no homozygotes.

Submission:

Labcorp Genetics (formerly Invitae), Labcorp
Classification: Uncertain significance. Last evaluated: 2025-10-21. Review status: criteria provided, single submitter. Criteria: Invitae Variant Classification Sherloc (09022015). Collection method: clinical testing. Allele origin: germline.
Comment: This sequence change replaces serine, which is neutral and polar, with proline, which is neutral and non-polar, at codon 1327 of the LRP5 protein (p.Ser1327Pro). This variant is not present in population databases (gnomAD no frequency). This variant has not been reported in the literature in individuals affected with LRP5-related conditions. Invitae Evidence Modeling of protein sequence and biophysical properties (such as structural, functional, and spatial information, amino acid conservation, physicochemical variation, residue mobility, and thermodynamic stability) has been performed for this missense variant. However, the output from this modeling did not meet the statistical confidence thresholds required to predict the impact of this variant on LRP5 protein function. In summary, the available evidence is currently insufficient to determine the role of this variant in disease. Therefore, it has been classified as a Variant of Uncertain Significance.

NM_002335.4(LRP5):c.3979T>C (p.Ser1327Pro)

Gene: LRP5 (LDL receptor related protein 5; plus strand). Cytogenetic location: 11q13.2.
Variant type: single nucleotide variant.
Coding change: c.3979T>C on transcript NM_002335.4 (MANE Select); coding-DNA position 3979, T replaced by C.
Protein change: p.Ser1327Pro; replaces serine 1327 with proline.
Molecular consequence: missense variant.
Genome position (GRCh38, 1-based): chr11:68,433,817, T>C. VCF-style: chr11-68433817-T-C. GRCh37 (hg19) VCF-style: chr11-68201285-T-C.
Other names: c.2236T>C, p.Ser746Pro (NM_001291902.2); short protein forms S1327P, S746P.
Identifiers: ClinVar variation 4800466 (VCV004800466.1).
Genomic context (GRCh38, chr11:68,433,817, plus strand): 5'-CGGGGTCAGTGTGTGGACCTGCGCCTGCGCTGCGACGGCGAGGCAGACTGTCAGGACCGC[T>C]CAGACGAGGCGGACTGTGACGGTGAGGCCCTCCCCGTCAAGGCTCTGCCAAGACCCTGGC-3'
Protein context (NP_002326.2, residues 1317-1337): CDGEADCQDR[Ser1327Pro]DEADCDAICL